The following is an entry in ClinVar:

ClinVar aggregate classification (germline): Uncertain significance (1 of 4 stars; one submission).

Conditions:
Familial focal epilepsy with variable foci (FPEVF). Identifiers: Orphanet 98820, MedGen C1858477, MONDO:0020310.

Allele frequency attached by ClinVar (database versions not stated): gnomAD 0.00001; ExAC 0.00002.
gnomAD v4.1: 8 of 1,611,854 alleles (0.0005%); highest among the groups gnomAD compares: Admixed American, 0.012%; no homozygotes.

Submission:

Labcorp Genetics (formerly Invitae), Labcorp
Classification: Uncertain significance for Familial focal epilepsy with variable foci. Last evaluated: 2023-12-11. Review status: criteria provided, single submitter. Criteria: Invitae Variant Classification Sherloc (09022015). Collection method: clinical testing. Allele origin: germline.
Comment: This sequence change replaces glutamine, which is neutral and polar, with proline, which is neutral and non-polar, at codon 303 of the DEPDC5 protein (p.Gln303Pro). This variant is present in population databases (rs765384973, gnomAD 0.02%). This variant has not been reported in the literature in individuals affected with DEPDC5-related conditions. ClinVar contains an entry for this variant (Variation ID: 1377191). Experimental studies and prediction algorithms are not available or were not evaluated, and the functional significance of this variant is currently unknown. In summary, the available evidence is currently insufficient to determine the role of this variant in disease. Therefore, it has been classified as a Variant of Uncertain Significance.

NM_001242896.3(DEPDC5):c.908A>C (p.Gln303Pro)

Gene: DEPDC5 (DEP domain containing 5, GATOR1 subcomplex subunit; plus strand). Cytogenetic location: 22q12.2.
Variant type: single nucleotide variant.
Coding change: c.908A>C on transcript NM_001242896.3 (MANE Select); coding-DNA position 908, A replaced by C.
Protein change: p.Gln303Pro; replaces glutamine 303 with proline.
Molecular consequence: missense variant. On other transcripts: non-coding transcript variant (5).
Genome position (GRCh38, 1-based): chr22:31,798,618, A>C. VCF-style: chr22-31798618-A-C. GRCh37 (hg19) VCF-style: chr22-32194604-A-C.
Other names: c.908A>C, p.Gln303Pro (NM_001007188.4, NM_001136029.4, NM_001242897.2 and 7 more transcripts); c.824A>C, p.Gln275Pro (NM_001369901.1, NM_001369902.1); short protein forms Q275P, Q303P.
Identifiers: ClinVar variation 1377191 (VCV001377191.6), dbSNP rs765384973, ClinGen allele CA10196159.